The following is an entry in ClinVar:

ClinVar aggregate classification (germline): Uncertain significance. Review status: criteria provided, multiple submitters, no conflicts (2 of 4 stars). 6 submissions from 6 submitters: Uncertain significance (6). Last evaluated 2025-12-21.

Conditions:
Cardiovascular phenotype. Identifiers: MedGen CN230736.
Cardiomyopathy (CMYO). Also called: Cardiomyopathies. Identifiers: Orphanet 167848, MedGen C0878544, MONDO:0004994, HP:0001638. Inheritance: Various modes of inheritance.
Arrhythmogenic right ventricular dysplasia 9 (ARVD9). Also called: Arrhythmogenic Right Ventricular Dysplasia/Cardiomyopathy 9; ARRHYTHMOGENIC RIGHT VENTRICULAR DYSPLASIA, FAMILIAL, 9. Identifiers: MedGen C1836906, MONDO:0012180, OMIM 609040.
PKP2-related disorder. Also called: PKP2-related condition.

Allele frequency attached by ClinVar (database versions not stated): gnomAD exomes 0.00001 and 0.00002; TOPMed 0.00002; ExAC 0.00003; gnomAD 0.00003.
gnomAD v4.1: 12 of 1,588,376 alleles (0.00076%); highest among the groups gnomAD compares: African/African-American, 0.0094%; no homozygotes.

Submissions (6):

Labcorp Genetics (formerly Invitae), Labcorp
Classification: Uncertain significance for Arrhythmogenic right ventricular dysplasia 9. Last evaluated: 2025-12-21. Review status: criteria provided, single submitter. Criteria: Invitae Variant Classification Sherloc (09022015). Collection method: clinical testing. Allele origin: germline.
Comment: This sequence change replaces glutamine, which is neutral and polar, with arginine, which is basic and polar, at codon 49 of the PKP2 protein (p.Gln49Arg). This variant is present in population databases (rs763492084, gnomAD 0.03%). This variant has not been reported in the literature in individuals affected with PKP2-related conditions. ClinVar contains an entry for this variant (Variation ID: 308518). An algorithm developed to predict the effect of missense changes on protein structure and function (PolyPhen-2) suggests that this variant is likely to be tolerated. In summary, the available evidence is currently insufficient to determine the role of this variant in disease. Therefore, it has been classified as a Variant of Uncertain Significance.

Color Diagnostics, LLC DBA Color Health
Classification: Uncertain significance for Cardiomyopathy. Last evaluated: 2023-12-06. Review status: criteria provided, single submitter. Criteria: ACMG Guidelines, 2015. Collection method: clinical testing. Allele origin: germline.
Comment: This missense variant replaces glutamine with arginine at codon 49 of the PKP2 protein. Computational prediction suggests that this variant may not impact protein structure and function (internally defined REVEL score threshold <= 0.5, PMID: 27666373). To our knowledge, functional studies have not been reported for this variant. This variant has not been reported in individuals affected with PKP2-related disorders in the literature. This variant has been identified in 4/210268 chromosomes in the general population by the Genome Aggregation Database (gnomAD). The available evidence is insufficient to determine the role of this variant in disease conclusively. Therefore, this variant is classified as a Variant of Uncertain Significance.

Ambry Genetics
Classification: Uncertain significance for Cardiovascular phenotype. Last evaluated: 2023-09-08. Review status: criteria provided, single submitter. Criteria: Ambry Variant Classification Scheme 2023. Collection method: clinical testing. Allele origin: germline.
Comment: The p.Q49R variant (also known as c.146A>G), located in coding exon 1 of the PKP2 gene, results from an A to G substitution at nucleotide position 146. The glutamine at codon 49 is replaced by arginine, an amino acid with highly similar properties. This amino acid position is well conserved in available vertebrate species. In addition, this alteration is predicted to be tolerated by in silico analysis. Since supporting evidence is limited at this time, the clinical significance of this alteration remains unclear.

PreventionGenetics, part of Exact Sciences
Classification: Uncertain significance for PKP2-related condition. Last evaluated: 2022-09-14. Review status: criteria provided, single submitter. Criteria: ACMG Guidelines, 2015. Collection method: clinical testing. Allele origin: germline.
Comment: The PKP2 c.146A>G variant is predicted to result in the amino acid substitution p.Gln49Arg. To our knowledge, this variant has not been reported in the literature. This variant is reported in 0.025% of alleles in individuals of African descent in gnomAD. At this time, the clinical significance of this variant is uncertain due to the absence of conclusive functional and genetic evidence.

GeneDx
Classification: Uncertain significance. Last evaluated: 2019-04-12. Review status: criteria provided, single submitter. Criteria: GeneDx Variant Classification Process June 2021. Collection method: clinical testing. Allele origin: germline. Affected: yes.
Comment: Not observed at a significant frequency in large population cohorts (Lek et al., 2016); In silico analysis, which includes protein predictors and evolutionary conservation, supports that this variant does not alter protein structure/function; Has not been previously published as pathogenic or benign to our knowledge

Illumina Laboratory Services, Illumina
Classification: Uncertain significance for Arrhythmogenic right ventricular dysplasia 9. Last evaluated: 2018-01-13. Review status: criteria provided, single submitter. Criteria: ICSL Variant Classification Criteria 13 December 2019. Collection method: clinical testing. Allele origin: germline.

NM_001005242.3(PKP2):c.146A>G (p.Gln49Arg)

Gene: PKP2 (plakophilin 2; minus strand). Cytogenetic location: 12p11.21.
Variant type: single nucleotide variant.
Coding change: c.146A>G on transcript NM_001005242.3 (MANE Select); coding-DNA position 146, A replaced by G.
Protein change: p.Gln49Arg; replaces glutamine 49 with arginine.
Molecular consequence: missense variant.
Genome position (GRCh38, 1-based): chr12:32,896,586, T>C on the plus strand (A>G on the coding strand, the complement: PKP2 is on the minus strand). VCF-style: chr12-32896586-T-C. GRCh37 (hg19) VCF-style: chr12-33049520-T-C.
Other names: c.146A>G, p.Gln49Arg (NM_004572.4); short protein forms Q49R.
Identifiers: ClinVar variation 308518 (VCV000308518.22), dbSNP rs763492084, ClinGen allele CA028543.
Genomic context (GRCh38, chr12:32,896,586, plus strand): 5'-CGGCCCTTCCGGGCGAGGGTCTGCTGCACCTGCTCCTGGATCCGCAGGCTCTTGACTGTC[T>C]GGCCGCCGCGGCCGCTGCTCCCCGCCAGCTTCAGCTTGGCCTCGGAGGGCAGCGCCAGGC-3'
Protein context (NP_001005242.2, residues 39-59): KLAGSSGRGG[Gln49Arg]TVKSLRIQEQ